The following is an entry in ClinVar:

NM_138694.4(PKHD1):c.5033C>A (p.Ser1678Ter)

Genes: PKHD1 (PKHD1 ciliary IPT domain containing fibrocystin/polyductin; minus strand), LOC126859690 (MED14-independent group 3 enhancer GRCh37_chr6:51888848-51890047; plus strand). Cytogenetic location: 6p12.2.
Variant type: single nucleotide variant.
Coding change: c.5033C>A on transcript NM_138694.4 (MANE Select); coding-DNA position 5033, C replaced by A.
Protein change: p.Ser1678Ter; replaces serine 1678 with a stop codon.
Molecular consequence: nonsense.
Genome position (GRCh38, 1-based): chr6:52,024,777, G>T on the plus strand (C>A on the coding strand, the complement: PKHD1 is on the minus strand). VCF-style: chr6-52024777-G-T. GRCh37 (hg19) VCF-style: chr6-51889575-G-T.
Other names: c.5033C>A, p.Ser1678Ter (NM_170724.3); short protein forms S1678*.
Identifiers: ClinVar variation 4060391 (VCV004060391.2).

ClinVar aggregate classification (germline): Likely pathogenic (1 of 4 stars; one submission).

Conditions:
Autosomal recessive polycystic kidney disease (ARPKD). Also called: AR polycystic kidney disease. Identifiers: Orphanet 731, Orphanet 8378, MedGen C0085548, MeSH D017044, MONDO:0009889.

Submission:

Natera, Inc.
Classification: Likely pathogenic for Autosomal recessive polycystic kidney disease. Last evaluated: 2025-01-12. Review status: criteria provided, single submitter. Criteria: Natera Variant Classification Schema (03/2026). Collection method: clinical testing. Allele origin: germline.
Comment: The c.5033C>A variant in PKHD1 is a nonsense variant predicted to introduce a stop codon at amino acid 1678. This variant is expected to result in nonsense mediated decay, truncation, or a dysfunctional protein product. This variant is rare in the general population with a frequency below the threshold expected for the associated phenotype(s). Given the available evidence, this variant is classified as Likely Pathogenic.